The following is an entry in ClinVar:

NM_018668.5(VPS33B):c.1454G>A (p.Arg485His)

Gene: VPS33B (VPS33B late endosome and lysosome associated; minus strand). Cytogenetic location: 15q26.1.
Variant type: single nucleotide variant.
Coding change: c.1454G>A on transcript NM_018668.5 (MANE Select); coding-DNA position 1454, G replaced by A.
Protein change: p.Arg485His; replaces arginine 485 with histidine.
Molecular consequence: missense variant.
Genome position (GRCh38, 1-based): chr15:91,001,414, C>T on the plus strand (G>A on the coding strand, the complement: VPS33B is on the minus strand). VCF-style: chr15-91001414-C-T. GRCh37 (hg19) VCF-style: chr15-91544644-C-T.
Other names: c.1373G>A, p.Arg458His (NM_001289148.1); c.1181G>A, p.Arg394His (NM_001289149.1); c.1454G>A (NM_018668.4); short protein forms R394H, R458H, R485H.
Identifiers: ClinVar variation 1695788 (VCV001695788.6), dbSNP rs141601851, ClinGen allele CA7744642.

ClinVar aggregate classification (germline): Uncertain significance. Review status: criteria provided, multiple submitters, no conflicts (2 of 4 stars). 3 submissions from 3 submitters: Uncertain significance (3). Last evaluated 2026-09-23.

Conditions:
Arthrogryposis, renal dysfunction, and cholestasis 1 (ARCS1). Identifiers: Orphanet 2697, MedGen C1859722, MONDO:0008822, OMIM 208085.
Keratoderma-ichthyosis-deafness syndrome, autosomal recessive (KDIDAR). Identifiers: MedGen C5774200, MONDO:0859278, OMIM 620009.
Cholestasis, progressive familial intrahepatic, 12 (PFIC12). Also called: CHOLESTASIS, ISOLATED LOW-GGT. Identifiers: MedGen C5774311, MONDO:0031040, OMIM 620010.
VPS33B-related disorder. Also called: VPS33B-related condition.

Allele frequency attached by ClinVar (database versions not stated): gnomAD exomes below 0.00001; ExAC 0.00001; gnomAD 0.00001; TOPMed 0.00002; ESP Exome Variant Server 0.00008.
gnomAD v4.1: 22 of 1,613,774 alleles (0.0014%); highest among the groups gnomAD compares: African/African-American, 0.0027%; no homozygotes.

Submissions (3):

PreventionGenetics, part of Exact Sciences
Classification: Uncertain significance for VPS33B-related condition. Last evaluated: 2026-09-23. Review status: criteria provided, single submitter. Criteria: ACMG Guidelines, 2015. Collection method: clinical testing. Allele origin: germline.
Comment: The VPS33B c.1454G>A variant is predicted to result in the amino acid substitution p.Arg485His. To our knowledge, this variant has not been reported in the literature. This variant is reported in 0.0062% of alleles in individuals of African descent in gnomAD. At this time, the clinical significance of this variant is uncertain due to the absence of conclusive functional and genetic evidence.

Fulgent Genetics
Classification: Uncertain significance for Arthrogryposis, renal dysfunction, and cholestasis 1; Keratoderma-ichthyosis-deafness syndrome, autosomal recessive; Cholestasis, progressive familial intrahepatic, 12. Last evaluated: 2024-05-27. Review status: criteria provided, single submitter. Criteria: ACMG Guidelines, 2015. Collection method: clinical testing. Allele origin: germline.

GeneDx
Classification: Uncertain significance. Last evaluated: 2022-01-06. Review status: criteria provided, single submitter. Criteria: GeneDx Variant Classification Process June 2021. Collection method: clinical testing. Allele origin: germline. Affected: yes.
Comment: Not observed at significant frequency in large population cohorts (gnomAD); In silico analysis supports that this missense variant does not alter protein structure/function; Has not been previously published as pathogenic or benign to our knowledge